The following is an entry in ClinVar:

NM_001366900.1(TTC21A):c.2454C>T (p.Asp818=)

Gene: TTC21A (tetratricopeptide repeat domain 21A; plus strand). Cytogenetic location: 3p22.2.
Variant type: single nucleotide variant.
Coding change: c.2454C>T on transcript NM_001366900.1 (MANE Select); coding-DNA position 2454, C replaced by T.
Protein change: p.Asp818=; no amino-acid change (aspartic acid 818 retained).
Molecular consequence: synonymous variant. On other transcripts: non-coding transcript variant (3).
Genome position (GRCh38, 1-based): chr3:39,130,835, C>T. VCF-style: chr3-39130835-C-T. GRCh37 (hg19) VCF-style: chr3-39172326-C-T.
Other names: c.2331C>T, p.Asp777= (NM_001105513.3); c.2478C>T, p.Asp826= (NM_001366899.1); c.2475C>T, p.Asp825= (NM_145755.3).
Identifiers: ClinVar variation 3778416 (VCV003778416.7).

ClinVar aggregate classification (germline): Likely benign (1 of 4 stars; one submission).

gnomAD v4.1: 15 of 1,614,182 alleles (0.00093%); highest among the groups gnomAD compares: South Asian, 0.015%; no homozygotes.

Submission:

CeGaT Center for Human Genetics Tuebingen
Classification: Likely benign. Last evaluated: 2025-03-01. Review status: criteria provided, single submitter. Criteria: CeGaT Center For Human Genetics Tuebingen Variant Classification Criteria Version 2. Collection method: clinical testing. Allele origin: germline. Affected: yes. Observed: 1 variant allele.
Comment: TTC21A: BP4, BP7